The following is an entry in ClinVar:

ClinVar aggregate classification (germline): Uncertain significance (1 of 4 stars; one submission).

Conditions:
SURF1-related disorder. Also called: SURF1-related condition.

Submission:

PreventionGenetics, part of Exact Sciences
Classification: Uncertain significance for SURF1-related condition. Last evaluated: 2025-06-23. Review status: criteria provided, single submitter. Criteria: ACMG Guidelines, 2015. Collection method: clinical testing. Allele origin: germline.
Comment: The SURF1 c.395T>C variant is predicted to result in the amino acid substitution p.Leu132Pro. To our knowledge, this variant has not been reported in the literature or in a large population database (gnomAD), indicating this variant is rare. At this time, the clinical significance of this variant is uncertain due to the absence of conclusive functional and genetic evidence.

NM_003172.4(SURF1):c.395T>C (p.Leu132Pro)

Gene: SURF1 (SURF1 cytochrome c oxidase assembly factor; minus strand). Cytogenetic location: 9q34.2.
Variant type: single nucleotide variant.
Coding change: c.395T>C on transcript NM_003172.4 (MANE Select); coding-DNA position 395, T replaced by C.
Protein change: p.Leu132Pro; replaces leucine 132 with proline.
Molecular consequence: missense variant.
Genome position (GRCh38, 1-based): chr9:133,353,869, A>G on the plus strand (T>C on the coding strand, the complement: SURF1 is on the minus strand). VCF-style: chr9-133353869-A-G. GRCh37 (hg19) VCF-style: chr9-136220724-A-G.
Other names: c.68T>C, p.Leu23Pro (NM_001280787.1); short protein forms L132P, L23P.
Identifiers: ClinVar variation 5001573 (VCV005001573.1).
Genomic context (GRCh38, chr9:133,353,869, plus strand): 5'-ATGAGGCCGCCCTCCCGGGCCTCCCGGACAGGGTCCACCATGGTCCGGGGCATCATATAC[A>G]GCTCCTTGGAATGGTCAAAGCACCCCCTGACCTTCACTGGCCTATACTCCAGATTTTTCA-3'
Protein context (NP_003163.1, residues 122-142): VRGCFDHSKE[Leu132Pro]YMMPRTMVDP